The following is an entry in ClinVar:

NM_001378120.1(MBD5):c.1859T>C (p.Leu620Ser)

Gene: MBD5 (methyl-CpG binding domain protein 5; plus strand). Cytogenetic location: 2q23.1.
Variant type: single nucleotide variant.
Coding change: c.1859T>C on transcript NM_001378120.1 (MANE Select); coding-DNA position 1859, T replaced by C.
Protein change: p.Leu620Ser; replaces leucine 620 with serine.
Molecular consequence: missense variant.
Genome position (GRCh38, 1-based): chr2:148,469,802, T>C. VCF-style: chr2-148469802-T-C. GRCh37 (hg19) VCF-style: chr2-149227371-T-C.
Other names: c.1859T>C, p.Leu620Ser (NM_018328.5); short protein forms L620S.
Identifiers: ClinVar variation 2321759 (VCV002321759.5), dbSNP rs1257202887, ClinGen allele CA348720596.

ClinVar aggregate classification (germline): Uncertain significance. Review status: criteria provided, multiple submitters, no conflicts (2 of 4 stars). 2 submissions from 2 submitters: Uncertain significance (2). Last evaluated 2023-02-26.

Conditions:
Intellectual developmental disorder, autosomal dominant 1. Also called: Intellectual disability, autosomal dominant 1; MBD5 Haploinsufficiency. Identifiers: Orphanet 228402, MedGen C1969562, MONDO:0007974, OMIM 156200.
Inborn genetic diseases. Identifiers: MedGen C0950123, MeSH D030342.

Submissions (2):

Labcorp Genetics (formerly Invitae), Labcorp
Classification: Uncertain significance for Intellectual developmental disorder, autosomal dominant 1. Last evaluated: 2023-02-26. Review status: criteria provided, single submitter. Criteria: Invitae Variant Classification Sherloc (09022015). Collection method: clinical testing. Allele origin: germline.
Comment: This sequence change replaces leucine, which is neutral and non-polar, with serine, which is neutral and polar, at codon 620 of the MBD5 protein (p.Leu620Ser). This variant is not present in population databases (gnomAD no frequency). This variant has not been reported in the literature in individuals affected with MBD5-related conditions. ClinVar contains an entry for this variant (Variation ID: 2321759). Advanced modeling of protein sequence and biophysical properties (such as structural, functional, and spatial information, amino acid conservation, physicochemical variation, residue mobility, and thermodynamic stability) has been performed at Invitae for this missense variant, however the output from this modeling did not meet the statistical confidence thresholds required to predict the impact of this variant on MBD5 protein function. In summary, the available evidence is currently insufficient to determine the role of this variant in disease. Therefore, it has been classified as a Variant of Uncertain Significance.

Ambry Genetics
Classification: Uncertain significance for Inborn genetic diseases. Last evaluated: 2022-11-01. Review status: criteria provided, single submitter. Criteria: Ambry Variant Classification Scheme 2023. Collection method: clinical testing. Allele origin: germline.